The following is an entry in ClinVar:

NM_000388.4(CASR):c.1628G>C (p.Ser543Thr)

Gene: CASR (calcium sensing receptor; plus strand). Cytogenetic location: 3q21.1.
Variant type: single nucleotide variant.
Coding change: c.1628G>C on transcript NM_000388.4 (MANE Select); coding-DNA position 1628, G replaced by C.
Protein change: p.Ser543Thr; replaces serine 543 with threonine.
Molecular consequence: missense variant.
Genome position (GRCh38, 1-based): chr3:122,282,132, G>C. VCF-style: chr3-122282132-G-C. GRCh37 (hg19) VCF-style: chr3-122000979-G-C.
Other names: c.1658G>C, p.Ser553Thr (NM_001178065.2); short protein forms S543T, S553T.
Identifiers: ClinVar variation 664041 (VCV000664041.11), dbSNP rs1576875740, ClinGen allele CA354156152.

ClinVar aggregate classification (germline): Uncertain significance (1 of 4 stars; one submission).

Conditions:
Familial hypocalciuric hypercalcemia (FHH). Also called: Familial benign hypercalcemia. Identifiers: Orphanet 405, MedGen C1809471, MONDO:0018458.
Autosomal dominant hypocalcemia 1 (HYPOC1). Also called: HYPOCALCEMIA, FAMILIAL. Identifiers: MedGen C3715128, MONDO:0011013, OMIM 601198.

Submission:

Labcorp Genetics (formerly Invitae), Labcorp
Classification: Uncertain significance for Familial hypocalciuric hypercalcemia; Autosomal dominant hypocalcemia 1. Last evaluated: 2019-11-30. Review status: criteria provided, single submitter. Criteria: Invitae Variant Classification Sherloc (09022015). Collection method: clinical testing. Allele origin: germline.
Comment: This variant is not present in population databases (ExAC no frequency). This sequence change replaces serine with threonine at codon 543 of the CASR protein (p.Ser543Thr). The serine residue is highly conserved and there is a small physicochemical difference between serine and threonine. This variant has not been reported in the literature in individuals with CASR-related conditions. In summary, the available evidence is currently insufficient to determine the role of this variant in disease. Therefore, it has been classified as a Variant of Uncertain Significance. Algorithms developed to predict the effect of missense changes on protein structure and function (SIFT, PolyPhen-2, Align-GVGD) all suggest that this variant is likely to be tolerated, but these predictions have not been confirmed by published functional studies and their clinical significance is uncertain.